The following is an entry in ClinVar:

NM_001458.5(FLNC):c.3835T>C (p.Ser1279Pro)

Gene: FLNC (filamin C; plus strand). Cytogenetic location: 7q32.1.
Variant type: single nucleotide variant.
Coding change: c.3835T>C on transcript NM_001458.5 (MANE Select); coding-DNA position 3835, T replaced by C.
Protein change: p.Ser1279Pro; replaces serine 1279 with proline.
Molecular consequence: missense variant.
Genome position (GRCh38, 1-based): chr7:128,846,034, T>C. VCF-style: chr7-128846034-T-C. GRCh37 (hg19) VCF-style: chr7-128486088-T-C.
Other names: c.3835T>C, p.Ser1279Pro (NM_001127487.2); short protein forms S1279P.
Identifiers: ClinVar variation 574916 (VCV000574916.10), dbSNP rs1562997744, ClinGen allele CA369198472.

ClinVar aggregate classification (germline): Uncertain significance. Review status: criteria provided, multiple submitters, no conflicts (2 of 4 stars). 2 submissions from 2 submitters: Uncertain significance (2). Last evaluated 2026-01-15.

Conditions:
Myofibrillar myopathy 5. Also called: FILAMINOPATHY, AUTOSOMAL DOMINANT; Filaminopathy (type). Identifiers: Orphanet 171445, MedGen C1836050, MONDO:0012289, OMIM 609524.
Hypertrophic cardiomyopathy 26. Also called: Cardiomyopathy, familial hypertrophic, 26. Identifiers: Orphanet 75249, MedGen C4310749, MONDO:0014883, OMIM 617047.
Distal myopathy with posterior leg and anterior hand involvement. Also called: WILLIAMS DISTAL MYOPATHY. Identifiers: Orphanet 63273, MedGen C3279722, MONDO:0013550, OMIM 614065.

Allele frequency attached by ClinVar (database versions not stated): gnomAD exomes below 0.00001.
gnomAD v4.1: 1 of 1,613,614 alleles (0.000062%); highest among the groups gnomAD compares: Non-Finnish European, 0.000085%; no homozygotes.

Submissions (2):

Labcorp Genetics (formerly Invitae), Labcorp
Classification: Uncertain significance for Distal myopathy with posterior leg and anterior hand involvement; Myofibrillar myopathy 5; Hypertrophic cardiomyopathy 26. Last evaluated: 2026-01-15. Review status: criteria provided, single submitter. Criteria: Invitae Variant Classification Sherloc (09022015). Collection method: clinical testing. Allele origin: germline.
Comment: This sequence change replaces serine, which is neutral and polar, with proline, which is neutral and non-polar, at codon 1279 of the FLNC protein (p.Ser1279Pro). This variant is not present in population databases (gnomAD no frequency). This variant has not been reported in the literature in individuals affected with FLNC-related conditions. ClinVar contains an entry for this variant (Variation ID: 574916). Invitae Evidence Modeling of protein sequence and biophysical properties (such as structural, functional, and spatial information, amino acid conservation, physicochemical variation, residue mobility, and thermodynamic stability) has been performed for this missense variant. However, the output from this modeling did not meet the statistical confidence thresholds required to predict the impact of this variant on FLNC protein function. In summary, the available evidence is currently insufficient to determine the role of this variant in disease. Therefore, it has been classified as a Variant of Uncertain Significance.

Women's Health and Genetics/Laboratory Corporation of America, LabCorp
Classification: Uncertain significance. Last evaluated: 2025-05-30. Review status: criteria provided, single submitter. Criteria: LabCorp Variant Classification Summary - May 2015. Collection method: clinical testing. Allele origin: germline.